The following is an entry in ClinVar:

ClinVar aggregate classification (germline): Uncertain significance (1 of 4 stars; one submission).

Conditions:
Familial thoracic aortic aneurysm and aortic dissection (TAAD). Also called: Thoracic aortic aneurysms and dissections. Identifiers: Orphanet 91387, MedGen C4707243, MONDO:0019625.

gnomAD v4.1: 1 of 1,614,046 alleles (0.000062%); highest among the groups gnomAD compares: Non-Finnish European, 0.000085%; no homozygotes.

Submission:

Color Diagnostics, LLC DBA Color Health
Classification: Uncertain significance for Familial thoracic aortic aneurysm and aortic dissection. Last evaluated: 2025-09-01. Review status: criteria provided, single submitter. Criteria: ACMG Guidelines, 2015. Collection method: clinical testing. Allele origin: germline.
Comment: This missense variant replaces isoleucine with valine at codon 1738 of the FBN1 protein. Computational prediction suggests that this variant may not impact protein structure and function. To our knowledge, functional studies have not been reported for this variant. This variant has not been reported in individuals affected with FBN1-related disorders in the literature. This variant has not been identified in the general population by the Genome Aggregation Database (gnomAD). The available evidence is insufficient to determine the role of this variant in disease conclusively. Therefore, this variant is classified as a Variant of Uncertain Significance.

NM_000138.5(FBN1):c.5212A>G (p.Ile1738Val)

Gene: FBN1 (fibrillin 1; minus strand). Cytogenetic location: 15q21.1.
Variant type: single nucleotide variant.
Coding change: c.5212A>G on transcript NM_000138.5 (MANE Select); coding-DNA position 5212, A replaced by G.
Protein change: p.Ile1738Val; replaces isoleucine 1738 with valine.
Molecular consequence: missense variant.
Genome position (GRCh38, 1-based): chr15:48,463,094, T>C on the plus strand (A>G on the coding strand, the complement: FBN1 is on the minus strand). VCF-style: chr15-48463094-T-C. GRCh37 (hg19) VCF-style: chr15-48755291-T-C.
Other names: c.5212A>G, p.Ile1738Val (NM_001406716.1); short protein forms I1738V.
Identifiers: ClinVar variation 4756160 (VCV004756160.1).
Genomic context (GRCh38, chr15:48,463,094, plus strand): 5'-GGTAATTTTTCAACCTATATTTTTGATAATGGAGAAACTAAAACTCACCTGTACTTGGGA[T>C]GGGACACTGTTCACAGGGCTTGTTCCACGCCCGGCCAATGTTGTAGGAACAGCAGCACAT-3'
Protein context (NP_000129.3, residues 1728-1748): AWNKPCEQCP[Ile1738Val]PSTDEFATLC